The following is an entry in ClinVar:

ClinVar aggregate classification (germline): Likely benign. Review status: criteria provided, single submitter (1 of 4 stars). 2 submissions from 2 submitters: Likely benign (1). 1 of the submissions does not count toward it. Last evaluated 2026-01-05.

Conditions:
LAMA5-related disorder. Also called: LAMA5-Related Disorders; LAMA5-related condition.

Allele frequency attached by ClinVar (database versions not stated): gnomAD 0.00009; 1000 Genomes Project 30x 0.00062; 1000 Genomes Project 0.00080; TOPMed 0.00006; gnomAD exomes 0.00016; ExAC 0.00031.
gnomAD v4.1: 250 of 1,611,186 alleles (0.016%); highest among the groups gnomAD compares: South Asian, 0.14%; 1 homozygote.

Submissions (2):

Labcorp Genetics (formerly Invitae), Labcorp
Classification: Likely benign. Last evaluated: 2026-01-05. Review status: criteria provided, single submitter. Criteria: Invitae Variant Classification Sherloc (09022015). Collection method: clinical testing. Allele origin: germline.

PreventionGenetics, part of Exact Sciences
Classification: Likely benign for LAMA5-related condition. Last evaluated: 2019-02-22. Review status: no assertion criteria provided. Collection method: clinical testing. Allele origin: germline. Not counted in ClinVar's aggregate classification.
Comment: This variant is classified as likely benign based on ACMG/AMP sequence variant interpretation guidelines (Richards et al. 2015 PMID: 25741868, with internal and published modifications).

NM_005560.6(LAMA5):c.10239C>T (p.Arg3413=)

Gene: LAMA5 (laminin subunit alpha 5; minus strand). Cytogenetic location: 20q13.33.
Variant type: single nucleotide variant.
Coding change: c.10239C>T on transcript NM_005560.6 (MANE Select); coding-DNA position 10239, C replaced by T.
Protein change: p.Arg3413=; no amino-acid change (arginine 3413 retained).
Molecular consequence: synonymous variant.
Genome position (GRCh38, 1-based): chr20:62,310,944, G>A on the plus strand (C>T on the coding strand, the complement: LAMA5 is on the minus strand). VCF-style: chr20-62310944-G-A. GRCh37 (hg19) VCF-style: chr20-60886000-G-A.
Other names: c.10239C>T (NM_005560.4).
Identifiers: ClinVar variation 2720141 (VCV002720141.5), dbSNP rs200712230, ClinGen allele CA9939869.